The following is an entry in ClinVar:

NM_021076.4(NEFH):c.107G>A (p.Gly36Glu)

Gene: NEFH (neurofilament heavy chain; plus strand). Cytogenetic location: 22q12.2.
Variant type: single nucleotide variant.
Coding change: c.107G>A on transcript NM_021076.4 (MANE Select); coding-DNA position 107, G replaced by A.
Protein change: p.Gly36Glu; replaces glycine 36 with glutamic acid.
Molecular consequence: missense variant.
Genome position (GRCh38, 1-based): chr22:29,480,369, G>A. VCF-style: chr22-29480369-G-A. GRCh37 (hg19) VCF-style: chr22-29876358-G-A.
Other names: short protein forms G36E.
Identifiers: ClinVar variation 1509590 (VCV001509590.6), dbSNP rs2062995848, ClinGen allele CA411121379.
Genomic context (GRCh38, chr22:29,480,369, plus strand): 5'-CGCCGCTGCATGGCGGCGGCAGCCTCCACTACGCGCTAGCCCGAAAGGGTGGCGCAGGCG[G>A]GACGCGCTCCGCCGCTGGCTCCTCCAGCGGCTTCCACTCGTGGACACGGACGTCCGTGAG-3'
Protein context (NP_066554.2, residues 26-46): YALARKGGAG[Gly36Glu]TRSAAGSSSG

ClinVar aggregate classification (germline): Uncertain significance (1 of 4 stars; one submission).

Allele frequency attached by ClinVar (database versions not stated): TOPMed below 0.00001.

Submission:

Labcorp Genetics (formerly Invitae), Labcorp
Classification: Uncertain significance. Last evaluated: 2021-08-02. Review status: criteria provided, single submitter. Criteria: Invitae Variant Classification Sherloc (09022015). Collection method: clinical testing. Allele origin: germline.
Comment: In summary, the available evidence is currently insufficient to determine the role of this variant in disease. Therefore, it has been classified as a Variant of Uncertain Significance. Advanced modeling of protein sequence and biophysical properties (such as structural, functional, and spatial information, amino acid conservation, physicochemical variation, residue mobility, and thermodynamic stability) performed at Invitae indicates that this missense variant is not expected to disrupt NEFH protein function. This variant has not been reported in the literature in individuals affected with NEFH-related conditions. The frequency data for this variant in the population databases is considered unreliable, as metrics indicate insufficient coverage at this position in the ExAC database. This sequence change replaces glycine with glutamic acid at codon 36 of the NEFH protein (p.Gly36Glu). The glycine residue is moderately conserved and there is a moderate physicochemical difference between glycine and glutamic acid.